The following is an entry in ClinVar:

NM_001278689.2(EOGT):c.816C>T (p.Ile272=)

Gene: EOGT (EGF domain specific O-linked N-acetylglucosamine transferase; minus strand). Cytogenetic location: 3p14.1.
Variant type: single nucleotide variant.
Coding change: c.816C>T on transcript NM_001278689.2 (MANE Select); coding-DNA position 816, C replaced by T.
Protein change: p.Ile272=; no amino-acid change (isoleucine 272 retained).
Molecular consequence: synonymous variant.
Genome position (GRCh38, 1-based): chr3:68,998,026, G>A on the plus strand (C>T on the coding strand, the complement: EOGT is on the minus strand). VCF-style: chr3-68998026-G-A. GRCh37 (hg19) VCF-style: chr3-69047177-G-A.
Other names: c.816C>T, p.Ile272= (NM_173654.3).
Identifiers: ClinVar variation 770143 (VCV000770143.10), dbSNP rs554241529, ClinGen allele CA2486784.

ClinVar aggregate classification (germline): Benign. Review status: criteria provided, single submitter (1 of 4 stars). 2 submissions from 2 submitters: Benign (1). 1 of the submissions does not count toward it. Last evaluated 2026-02-02.

Conditions:
Adams-Oliver syndrome 4 (AOS4). Identifiers: Orphanet 974, MedGen C3809092, MONDO:0014124, OMIM 615297.
EOGT-related disorder. Also called: EOGT-related condition.

Allele frequency attached by ClinVar (database versions not stated): gnomAD 0.00015 and 0.00011; gnomAD exomes 0.00044; ExAC 0.00031; TOPMed 0.00032.

Submissions (2):

Labcorp Genetics (formerly Invitae), Labcorp
Classification: Benign for Adams-Oliver syndrome 4. Last evaluated: 2026-02-02. Review status: criteria provided, single submitter. Criteria: Invitae Variant Classification Sherloc (09022015). Collection method: clinical testing. Allele origin: germline.

PreventionGenetics, part of Exact Sciences
Classification: Likely benign for EOGT-related condition. Last evaluated: 2022-11-21. Review status: no assertion criteria provided. Collection method: clinical testing. Allele origin: germline. Not counted in ClinVar's aggregate classification.
Comment: This variant is classified as likely benign based on ACMG/AMP sequence variant interpretation guidelines (Richards et al. 2015 PMID: 25741868, with internal and published modifications).